The following is an entry in ClinVar:

ClinVar aggregate classification (germline): Uncertain significance (1 of 4 stars; one submission).

Conditions:
Gastrointestinal stromal tumor. Also called: Gastrointestinal stromal tumor, somatic; Gastrointestinal stroma tumor. Identifiers: Orphanet 44890, MedGen C0238198, MeSH D046152, MONDO:0011719, OMIM 606764, HP:0100723.

Submission:

Labcorp Genetics (formerly Invitae), Labcorp
Classification: Uncertain significance for Gastrointestinal stromal tumor. Last evaluated: 2020-08-27. Review status: criteria provided, single submitter. Criteria: Invitae Variant Classification Sherloc (09022015). Collection method: clinical testing. Allele origin: germline.
Comment: This sequence change replaces cysteine with arginine at codon 435 of the PDGFRA protein (p.Cys435Arg). The cysteine residue is highly conserved and there is a large physicochemical difference between cysteine and arginine. This variant is not present in population databases (ExAC no frequency). This variant has not been reported in the literature in individuals with PDGFRA-related conditions. Algorithms developed to predict the effect of missense changes on protein structure and function (SIFT, PolyPhen-2, Align-GVGD) all suggest that this variant is likely to be disruptive, but these predictions have not been confirmed by published functional studies and their clinical significance is uncertain. In summary, the available evidence is currently insufficient to determine the role of this variant in disease. Therefore, it has been classified as a Variant of Uncertain Significance.

NM_006206.6(PDGFRA):c.1303T>C (p.Cys435Arg)

Gene: PDGFRA (platelet derived growth factor receptor alpha; plus strand). Cytogenetic location: 4q12.
Variant type: single nucleotide variant.
Coding change: c.1303T>C on transcript NM_006206.6 (MANE Select); coding-DNA position 1303, T replaced by C.
Protein change: p.Cys435Arg; replaces cysteine 435 with arginine.
Molecular consequence: missense variant.
Genome position (GRCh38, 1-based): chr4:54,272,459, T>C. VCF-style: chr4-54272459-T-C. GRCh37 (hg19) VCF-style: chr4-55138626-T-C.
Other names: c.1303T>C, p.Cys435Arg (NM_001347827.2, NM_001347829.2); c.1378T>C, p.Cys460Arg (NM_001347828.2); c.1342T>C, p.Cys448Arg (NM_001347830.2); short protein forms C448R, C460R, C435R.
Identifiers: ClinVar variation 1047322 (VCV001047322.9), dbSNP rs1723456987, ClinGen allele CA356892265.
Genomic context (GRCh38, chr4:54,272,459, plus strand): 5'-TCATCCATTCTGGACTTGGTCGATGATCACCATGGCTCAACTGGGGGACAGACGGTGAGG[T>C]GCACAGCTGAAGGCACGCCGCTTCCTGATATTGAGTGGATGATATGCAAAGATATTAAGA-3'
Protein context (NP_006197.1, residues 425-445): HGSTGGQTVR[Cys435Arg]TAEGTPLPDI